The following is an entry in ClinVar:

NM_201384.3(PLEC):c.11926G>A (p.Val3976Ile)

Gene: PLEC (plectin; minus strand). Cytogenetic location: 8q24.3.
Variant type: single nucleotide variant.
Coding change: c.11926G>A on transcript NM_201384.3 (MANE Select); coding-DNA position 11926, G replaced by A.
Protein change: p.Val3976Ile; replaces valine 3976 with isoleucine.
Molecular consequence: missense variant.
Genome position (GRCh38, 1-based): chr8:143,917,895, C>T on the plus strand (G>A on the coding strand, the complement: PLEC is on the minus strand). VCF-style: chr8-143917895-C-T. GRCh37 (hg19) VCF-style: chr8-144992063-C-T.
Other names: c.12007G>A (NM_000445.3); c.12007G>A, p.Val4003Ile (NM_000445.5); c.11884G>A, p.Val3962Ile (NM_201378.4); c.11860G>A, p.Val3954Ile (NM_201379.3); c.12337G>A, p.Val4113Ile (NM_201380.4); c.11830G>A, p.Val3944Ile (NM_201381.3); c.11926G>A, p.Val3976Ile (NM_201382.4); c.11938G>A, p.Val3980Ile (NM_201383.3); short protein forms V3962I, V4003I, V3980I, V4113I, V3976I, V3944I, V3954I.
Identifiers: ClinVar variation 471525 (VCV000471525.11), dbSNP rs782422260, ClinGen allele CA4924212.

ClinVar aggregate classification (germline): Uncertain significance. Review status: criteria provided, multiple submitters, no conflicts (2 of 4 stars). 4 submissions from 4 submitters: Uncertain significance (4). Last evaluated 2026-04-11.

Conditions:
PLEC-related disorder. Also called: PLEC-related disorders; PLEC-related condition.
Autosomal recessive limb-girdle muscular dystrophy type 2Q (LGMDR17). Also called: MUSCULAR DYSTROPHY, LIMB-GIRDLE, AUTOSOMAL RECESSIVE 17. Identifiers: Orphanet 254361, MedGen C3150989, MONDO:0013390, OMIM 613723.
Epidermolysis bullosa simplex with nail dystrophy (EBS5D). Identifiers: MedGen C4225309, MONDO:0014661, OMIM 616487.
Epidermolysis bullosa simplex 5C, with pyloric atresia (EBS5C). Also called: PLEC-Related Epidermolysis Bullosa with Pyloric Atresia; Epidermolysis bullosa simplex with pyloric atresia; PLEC1-Related Epidermolysis Bullosa with Pyloric Atresia. Identifiers: Orphanet 158684, MedGen C2677349, MONDO:0012807, OMIM 612138.
Epidermolysis bullosa simplex, Ogna type (EBS5A). Also called: Pidermolysis bullosa simplex 5A, Ogna type; EPIDERMOLYSIS BULLOSA SIMPLEX 5A, OGNA TYPE. Identifiers: Orphanet 79401, MedGen C0432317, MONDO:0007555, OMIM 131950.
Epidermolysis bullosa simplex 5B, with muscular dystrophy (EBS5B). Also called: EPIDERMOLYSIS BULLOSA SIMPLEX AND LIMB-GIRDLE MUSCULAR DYSTROPHY; Epidermolysis bullosa simplex with muscular dystrophy. Identifiers: Orphanet 257, MedGen C2931072, MONDO:0009181, OMIM 226670.
Inborn genetic diseases. Identifiers: MedGen C0950123, MeSH D030342.

Allele frequency attached by ClinVar (database versions not stated): gnomAD 0.00004; TOPMed 0.00007.
gnomAD v4.1: 60 of 1,612,912 alleles (0.0037%); highest among the groups gnomAD compares: African/African-American, 0.012%; no homozygotes.

Submissions (4):

PreventionGenetics, part of Exact Sciences
Classification: Uncertain significance for PLEC-related condition. Last evaluated: 2026-04-11. Review status: criteria provided, single submitter. Criteria: ACMG Guidelines, 2015. Collection method: clinical testing. Allele origin: germline.
Comment: The PLEC c.12007G>A variant is predicted to result in the amino acid substitution p.Val4003Ile. To our knowledge, this variant has not been reported in the literature. This variant is reported in 0.015% of alleles in individuals of East Asian descent in gnomAD. At this time, the clinical significance of this variant is uncertain due to the absence of conclusive functional and genetic evidence.

Labcorp Genetics (formerly Invitae), Labcorp
Classification: Uncertain significance for Autosomal recessive limb-girdle muscular dystrophy type 2Q; Epidermolysis bullosa simplex, Ogna type; Epidermolysis bullosa simplex with nail dystrophy; Epidermolysis bullosa simplex 5C, with pyloric atresia; Epidermolysis bullosa simplex 5B, with muscular dystrophy. Last evaluated: 2025-02-19. Review status: criteria provided, single submitter. Criteria: Invitae Variant Classification Sherloc (09022015). Collection method: clinical testing. Allele origin: germline.
Comment: This sequence change replaces valine, which is neutral and non-polar, with isoleucine, which is neutral and non-polar, at codon 4003 of the PLEC protein (p.Val4003Ile). This variant is present in population databases (rs782422260, gnomAD 0.02%). This variant has not been reported in the literature in individuals affected with PLEC-related conditions. ClinVar contains an entry for this variant (Variation ID: 471525). An algorithm developed to predict the effect of missense changes on protein structure and function (PolyPhen-2) suggests that this variant is likely to be disruptive. In summary, the available evidence is currently insufficient to determine the role of this variant in disease. Therefore, it has been classified as a Variant of Uncertain Significance.

Ambry Genetics
Classification: Uncertain significance for Inborn genetic diseases. Last evaluated: 2024-01-03. Review status: criteria provided, single submitter. Criteria: Ambry Variant Classification Scheme 2023. Collection method: clinical testing. Allele origin: germline.

Revvity Omics, Revvity
Classification: Uncertain significance. Last evaluated: 2019-06-20. Review status: criteria provided, single submitter. Criteria: ACMG Guidelines, 2015. Collection method: clinical testing. Allele origin: germline.